The following is an entry in ClinVar:

NM_001351169.2(NT5C2):c.1665GGA[6] (p.Glu561_Ter562insGlu)

Genes: CNNM2 (cyclin and CBS domain divalent metal cation transport mediator 2; plus strand), NT5C2 (5'-nucleotidase, cytosolic II; minus strand). Cytogenetic location: 10q24.32.
Variant type: Microsatellite.
Coding change: c.1665GGA[6] on transcript NM_001351169.2 (MANE Select); six copies in a row of the 3-base unit GGA starting at c.1665; the reference has five copies in a row; one copy, 3 bases duplicated.
Protein change: p.Glu561_Ter562insGlu.
Molecular consequence: inframe insertion. On other transcripts: 3 prime UTR variant (2).
Genome position (GRCh38, 1-based): chr10:103,089,679-103,089,681, TCC duplicated on the plus strand (GGA on the coding strand, the reverse complement: NT5C2 is on the minus strand); duplicating any 3 consecutive bases within chr10:103,089,679-103,089,695 gives the same sequence; the position shown is the placement nearest the transcript's 3' end. VCF-style (leftmost placement, unchanged base first): chr10-103089678-T-TTCC. GRCh37 (hg19) VCF-style: chr10-104849435-T-TTCC.
Other names: c.1665GGA[6], p.Glu561_Ter562insGlu (NM_001134373.3, NM_012229.5); c.1689GGA[6], p.Glu569_Ter570insGlu (NM_001351170.2, NM_001351171.2, NM_001351172.2 and 1 more transcripts); c.1578GGA[6], p.Glu532_Ter533insGlu (NM_001351174.1); c.1572GGA[6], p.Glu530_Ter531insGlu (NM_001351175.2); c.1092GGA[6], p.Glu370_Ter371insGlu (NM_001351176.2, NM_001351177.2, NM_001351178.2 and 16 more transcripts); c.951GGA[6], p.Glu323_Ter324insGlu (NM_001351194.2, NM_001351195.2, NM_001351196.2); c.*12501CTC[6] (NM_017649.5, NM_199076.3).
Identifiers: ClinVar variation 1371578 (VCV001371578.8), dbSNP rs537259520, ClinGen allele CA5670698.

ClinVar aggregate classification (germline): Uncertain significance (1 of 4 stars; one submission).

Conditions:
Hereditary spastic paraplegia 45. Also called: Spastic paraplegia 45, autosomal recessive; SPASTIC PARAPLEGIA 45. Identifiers: Orphanet 320396, MedGen C3888209, MONDO:0013165, OMIM 613162.

Submission:

Labcorp Genetics (formerly Invitae), Labcorp
Classification: Uncertain significance for Hereditary spastic paraplegia 45. Last evaluated: 2022-03-16. Review status: criteria provided, single submitter. Criteria: Invitae Variant Classification Sherloc (09022015). Collection method: clinical testing. Allele origin: germline.
Comment: In summary, the available evidence is currently insufficient to determine the role of this variant in disease. Therefore, it has been classified as a Variant of Uncertain Significance. Experimental studies and prediction algorithms are not available or were not evaluated, and the functional significance of this variant is currently unknown. This variant has not been reported in the literature in individuals affected with NT5C2-related conditions. This variant is present in population databases (rs751199209, gnomAD 0.007%). This sequence change disrupts the translational stop signal of the NT5C2 mRNA. It is expected to extend the length of the NT5C2 protein by 1 additional amino acid residues.